The following is an entry in ClinVar:

NM_001367624.2(ZNF469):c.4138C>T (p.His1380Tyr)

Gene: ZNF469 (zinc finger protein 469; plus strand). Cytogenetic location: 16q24.2.
Variant type: single nucleotide variant.
Coding change: c.4138C>T on transcript NM_001367624.2 (MANE Select); coding-DNA position 4138, C replaced by T.
Protein change: p.His1380Tyr; replaces histidine 1380 with tyrosine.
Molecular consequence: missense variant.
Genome position (GRCh38, 1-based): chr16:88,431,608, C>T. VCF-style: chr16-88431608-C-T. GRCh37 (hg19) VCF-style: chr16-88498016-C-T.
Other names: NM_001127464.1:c.4054C>T; p.His1380Tyr; short protein forms H1380Y.
Identifiers: ClinVar variation 1737402 (VCV001737402.3), dbSNP rs778886933, ClinGen allele CA8224918.

ClinVar aggregate classification (germline): Uncertain significance. Review status: criteria provided, multiple submitters, no conflicts (2 of 4 stars). 2 submissions from 2 submitters: Uncertain significance (2). Last evaluated 2025-08-09.

Conditions:
Cardiovascular phenotype. Identifiers: MedGen CN230736.

Allele frequency attached by ClinVar (database versions not stated): gnomAD 0.00003; ExAC 0.00005; TOPMed below 0.00001.
gnomAD v4.1: 7 of 1,550,366 alleles (0.00045%); highest among the groups gnomAD compares: East Asian, 0.012%; no homozygotes.

Submissions (2):

Mayo Clinic Laboratories, Mayo Clinic
Classification: Uncertain significance. Last evaluated: 2025-08-09. Review status: criteria provided, single submitter. Criteria: ACMG Guidelines, 2015. Collection method: clinical testing. Allele origin: germline. Observed: 1 variant allele.
Comment: BP4_moderate, PM2_supporting

Ambry Genetics
Classification: Uncertain significance for Cardiovascular phenotype. Last evaluated: 2021-08-22. Review status: criteria provided, single submitter. Criteria: Ambry Variant Classification Scheme 2023. Collection method: clinical testing. Allele origin: germline.
Comment: The p.H1352Y variant (also known as c.4054C>T), located in coding exon 2 of the ZNF469 gene, results from a C to T substitution at nucleotide position 4054. The histidine at codon 1352 is replaced by tyrosine, an amino acid with similar properties. This amino acid position is conserved. In addition, this alteration is predicted to be tolerated by in silico analysis. Since supporting evidence is limited at this time, the clinical significance of this alteration remains unclear.